The following is an entry in ClinVar:

NM_001085411.3(NADK2):c.777T>A (p.Asp259Glu)

Gene: NADK2 (NAD kinase 2, mitochondrial; minus strand). Cytogenetic location: 5p13.2.
Variant type: single nucleotide variant.
Coding change: c.777T>A on transcript NM_001085411.3 (MANE Select); coding-DNA position 777, T replaced by A.
Protein change: p.Asp259Glu; replaces aspartic acid 259 with glutamic acid.
Molecular consequence: missense variant.
Genome position (GRCh38, 1-based): chr5:36,217,752, A>T on the plus strand (T>A on the coding strand, the complement: NADK2 is on the minus strand). VCF-style: chr5-36217752-A-T. GRCh37 (hg19) VCF-style: chr5-36217854-A-T.
Other names: c.288T>A, p.Asp96Glu (NM_001287340.2, NM_001287341.2, NM_153013.5); c.777T>A (NM_001085411.1); short protein forms D259E, D96E.
Identifiers: ClinVar variation 945558 (VCV000945558.11), dbSNP rs374109481, ClinGen allele CA3234620.

ClinVar aggregate classification (germline): Uncertain significance. Review status: criteria provided, multiple submitters, no conflicts (2 of 4 stars). 2 submissions from 2 submitters: Uncertain significance (2). Last evaluated 2025-08-20.

Conditions:
Inborn genetic diseases. Identifiers: MedGen C0950123, MeSH D030342.
Progressive encephalopathy with leukodystrophy due to DECR deficiency. Identifiers: Orphanet 431361, MedGen C1857252, MONDO:0014464, OMIM 616034.

Allele frequency attached by ClinVar (database versions not stated): gnomAD exomes 0.00002; ExAC 0.00003; ESP Exome Variant Server 0.00008; gnomAD 0.00014; TOPMed 0.00016; 1000 Genomes Project 0.00040; 1000 Genomes Project 30x 0.00047.
gnomAD v4.1: 30 of 1,613,794 alleles (0.0019%); highest among the groups gnomAD compares: African/African-American, 0.039%; no homozygotes.

Submissions (2):

Ambry Genetics
Classification: Uncertain significance for Inborn genetic diseases. Last evaluated: 2025-08-20. Review status: criteria provided, single submitter. Criteria: Ambry Variant Classification Scheme 2023. Collection method: clinical testing. Allele origin: germline.

Labcorp Genetics (formerly Invitae), Labcorp
Classification: Uncertain significance for Progressive encephalopathy with leukodystrophy due to DECR deficiency. Last evaluated: 2023-06-21. Review status: criteria provided, single submitter. Criteria: Invitae Variant Classification Sherloc (09022015). Collection method: clinical testing. Allele origin: germline.
Comment: In summary, the available evidence is currently insufficient to determine the role of this variant in disease. Therefore, it has been classified as a Variant of Uncertain Significance. Advanced modeling of protein sequence and biophysical properties (such as structural, functional, and spatial information, amino acid conservation, physicochemical variation, residue mobility, and thermodynamic stability) performed at Invitae indicates that this missense variant is not expected to disrupt NADK2 protein function. This sequence change replaces aspartic acid, which is acidic and polar, with glutamic acid, which is acidic and polar, at codon 259 of the NADK2 protein (p.Asp259Glu). This variant is present in population databases (rs374109481, gnomAD 0.05%). This variant has not been reported in the literature in individuals affected with NADK2-related conditions. ClinVar contains an entry for this variant (Variation ID: 945558).